The following is an entry in ClinVar:

NM_007286.6(SYNPO):c.2367CCCGCC[3] (p.Pro800_Arg801insProProProProProPro)

Gene: SYNPO (synaptopodin; plus strand). Cytogenetic location: 5q33.1.
Variant type: Microsatellite.
Coding change: c.2367CCCGCC[3] on transcript NM_007286.6 (MANE Select); three copies in a row of the 6-base unit CCCGCC starting at c.2367.
Protein change: p.Pro800_Arg801insProProProProProPro.
Molecular consequence: inframe insertion.
Genome position: GRCh38 VCF-style: chr5-150656737-G-GCGCCCCCGCCCCCGCCCC. GRCh37 (hg19) VCF-style: chr5-150036299-G-GCGCCCCCGCCCCCGCCCC.
Identifiers: ClinVar variation 4751119 (VCV004751119.1).
Genomic context (GRCh38, chr5:150,656,737, plus strand): 5'-AAGAGCGCCTCCCCGCGGTCGGCGGGCGCCGAGAACCCGCGGCCCTTCTCCCCGCCGAGG[G>GCGCCCCCGCCCCCGCCCC]CGCCACCGCCCCCGCCCCCGCCCCCGCCCCCGCCCCCGCGCATGCGCTCGCCACAGCCCG-3'

ClinVar aggregate classification (germline): Uncertain significance (1 of 4 stars; one submission).

Submission:

Labcorp Genetics (formerly Invitae), Labcorp
Classification: Uncertain significance. Last evaluated: 2025-06-12. Review status: criteria provided, single submitter. Criteria: Invitae Variant Classification Sherloc (09022015). Collection method: clinical testing. Allele origin: germline.
Comment: This variant, c.2366_2367insCCCGCCCCCGCCCCCGCC, results in the insertion of 6 amino acid(s) of the SYNPO protein (p.Pro795_Pro800dup), but otherwise preserves the integrity of the reading frame. This variant is present in population databases (no rsID available, gnomAD 0.1%), and has an allele count higher than expected for a pathogenic variant. This variant has not been reported in the literature in individuals affected with SYNPO-related conditions. Experimental studies and prediction algorithms are not available or were not evaluated, and the functional significance of this variant is currently unknown. In summary, the available evidence is currently insufficient to determine the role of this variant in disease. Therefore, it has been classified as a Variant of Uncertain Significance.